The following is an entry in ClinVar:

ClinVar aggregate classification (germline): Uncertain significance (1 of 4 stars; one submission).

Conditions:
Cortical dysplasia-focal epilepsy syndrome (PTHSL1). Also called: Pitt-Hopkins-like syndrome 1. Identifiers: Orphanet 163681, Orphanet 221150, MedGen C2750246, MONDO:0012400, OMIM 610042.

Submission:

Labcorp Genetics (formerly Invitae), Labcorp
Classification: Uncertain significance for Cortical dysplasia-focal epilepsy syndrome. Last evaluated: 2019-04-30. Review status: criteria provided, single submitter. Criteria: Invitae Variant Classification Sherloc (09022015). Collection method: clinical testing. Allele origin: germline.
Comment: This sequence change replaces cysteine with tyrosine at codon 974 of the CNTNAP2 protein (p.Cys974Tyr). The cysteine residue is highly conserved and there is a large physicochemical difference between cysteine and tyrosine. This variant is not present in population databases (ExAC no frequency). This variant has not been reported in the literature in individuals with CNTNAP2-related conditions. Algorithms developed to predict the effect of missense changes on protein structure and function (SIFT, PolyPhen-2, Align-GVGD) all suggest that this variant is likely to be disruptive, but these predictions have not been confirmed by published functional studies and their clinical significance is uncertain. In summary, the available evidence is currently insufficient to determine the role of this variant in disease. Therefore, it has been classified as a Variant of Uncertain Significance.

NM_014141.6(CNTNAP2):c.2921G>A (p.Cys974Tyr)

Genes: CNTNAP2 (contactin associated protein 2; plus strand), LOC126860216 (BRD4-independent group 4 enhancer GRCh37_chr7:147868766-147869965; plus strand). Cytogenetic location: 7q35.
Variant type: single nucleotide variant.
Coding change: c.2921G>A on transcript NM_014141.6 (MANE Select); coding-DNA position 2921, G replaced by A.
Protein change: p.Cys974Tyr; replaces cysteine 974 with tyrosine.
Molecular consequence: missense variant.
Genome position (GRCh38, 1-based): chr7:148,172,389, G>A. VCF-style: chr7-148172389-G-A. GRCh37 (hg19) VCF-style: chr7-147869481-G-A.
Other names: short protein forms C974Y.
Identifiers: ClinVar variation 836881 (VCV000836881.1), dbSNP rs1805809677, ClinGen allele CA369928614.